The following is an entry in ClinVar:

NM_014795.4(ZEB2):c.797G>A (p.Gly266Glu)

Gene: ZEB2 (zinc finger E-box binding homeobox 2; minus strand). Cytogenetic location: 2q22.3.
Variant type: single nucleotide variant.
Coding change: c.797G>A on transcript NM_014795.4 (MANE Select); coding-DNA position 797, G replaced by A.
Protein change: p.Gly266Glu; replaces glycine 266 with glutamic acid.
Molecular consequence: missense variant.
Genome position (GRCh38, 1-based): chr2:144,403,926, C>T on the plus strand (G>A on the coding strand, the complement: ZEB2 is on the minus strand). VCF-style: chr2-144403926-C-T. GRCh37 (hg19) VCF-style: chr2-145161493-C-T.
Other names: c.725G>A, p.Gly242Glu (NM_001171653.2); short protein forms G266E, G242E.
Identifiers: ClinVar variation 385903 (VCV000385903.15), dbSNP rs1057522361, ClinGen allele CA16603807.

ClinVar aggregate classification (germline): Conflicting classifications of pathogenicity. Review status: criteria provided, conflicting classifications (1 of 4 stars). 4 submissions from 4 submitters: Uncertain significance (2); Likely benign (2). Last evaluated 2025-05-02.

Conditions:
Inborn genetic diseases. Identifiers: MedGen C0950123, MeSH D030342.
Mowat-Wilson syndrome (MOWS). Also called: Classic Mowat-Wilson Syndrome. Identifiers: Orphanet 2152, MedGen C1856113, MONDO:0009341, OMIM 235730.

Submissions (4):

Ambry Genetics
Classification: Uncertain significance for Inborn genetic diseases. Last evaluated: 2025-05-02. Review status: criteria provided, single submitter. Criteria: Ambry Variant Classification Scheme 2023. Collection method: clinical testing. Allele origin: germline.

Labcorp Genetics (formerly Invitae), Labcorp
Classification: Uncertain significance for Mowat-Wilson syndrome. Last evaluated: 2024-06-09. Review status: criteria provided, single submitter. Criteria: Invitae Variant Classification Sherloc (09022015). Collection method: clinical testing. Allele origin: germline.
Comment: This sequence change replaces glycine, which is neutral and non-polar, with glutamic acid, which is acidic and polar, at codon 266 of the ZEB2 protein (p.Gly266Glu). This variant is not present in population databases (gnomAD no frequency). This variant has not been reported in the literature in individuals affected with ZEB2-related conditions. ClinVar contains an entry for this variant (Variation ID: 385903). Advanced modeling performed at Invitae incorporating data from internal and/or published experimental studies (Invitae) indicates that this missense variant is not expected to disrupt ZEB2 function with a negative predictive value of 95%. In summary, the available evidence is currently insufficient to determine the role of this variant in disease. Therefore, it has been classified as a Variant of Uncertain Significance.

Genome-Nilou Lab
Classification: Likely benign for Mowat-Wilson syndrome. Last evaluated: 2021-11-07. Review status: criteria provided, single submitter. Criteria: ACMG Guidelines, 2015. Collection method: clinical testing. Allele origin: germline. Affected: no.

GeneDx
Classification: Likely benign. Last evaluated: 2016-11-01. Review status: criteria provided, single submitter. Criteria: GeneDx Variant Classification (06012015). Collection method: clinical testing. Allele origin: germline. Affected: yes.
Comment: This variant is considered likely benign or benign based on one or more of the following criteria: it is a conservative change, it occurs at a poorly conserved position in the protein, it is predicted to be benign by multiple in silico algorithms, and/or has population frequency not consistent with disease.

Literature cited by the submitters: PubMed 31440721 (cited by Ambry Genetics).